The following is an entry in ClinVar:

NM_003072.5(SMARCA4):c.1882C>T (p.Leu628Phe)

Gene: SMARCA4 (SWI/SNF related BAF chromatin remodeling complex subunit ATPase 4; plus strand). Cytogenetic location: 19p13.2.
Variant type: single nucleotide variant.
Coding change: c.1882C>T on transcript NM_003072.5 (MANE Select); coding-DNA position 1882, C replaced by T.
Protein change: p.Leu628Phe; replaces leucine 628 with phenylalanine.
Molecular consequence: missense variant. On other transcripts: non-coding transcript variant (1).
Genome position (GRCh38, 1-based): chr19:11,003,098, C>T. VCF-style: chr19-11003098-C-T. GRCh37 (hg19) VCF-style: chr19-11113774-C-T.
Other names: c.1882C>T, p.Leu628Phe (NM_001128844.3, NM_001128845.2, NM_001128846.2 and 4 more transcripts); short protein forms L628F.
Identifiers: ClinVar variation 1006555 (VCV001006555.8), dbSNP rs1555768351, ClinGen allele CA404051581.
Genomic context (GRCh38, chr19:11,003,098, plus strand): 5'-GAGACCAGCCAGATGAGCGACCTCCCGGTGAAGGTGATCCACGTGGAGAGTGGGAAGATC[C>T]TCACAGGCACAGATGCCCCCAAAGCCGGGCAGCTGGAGGCCTGGCTCGAGATGAACCCGG-3'
Protein context (NP_003063.2, residues 618-638): KVIHVESGKI[Leu628Phe]TGTDAPKAGQ

ClinVar aggregate classification (germline): Uncertain significance (1 of 4 stars; one submission).

Conditions:
Rhabdoid tumor predisposition syndrome 2 (RTPS2). Identifiers: Orphanet 231108, Orphanet 69077, MedGen C2750074, MONDO:0013224, OMIM 613325.

gnomAD v4.1: 1 of 1,614,140 alleles (0.000062%); highest among the groups gnomAD compares: Non-Finnish European, 0.000085%; no homozygotes.

Submission:

Labcorp Genetics (formerly Invitae), Labcorp
Classification: Uncertain significance for Rhabdoid tumor predisposition syndrome 2. Last evaluated: 2023-04-15. Review status: criteria provided, single submitter. Criteria: Invitae Variant Classification Sherloc (09022015). Collection method: clinical testing. Allele origin: germline.
Comment: ClinVar contains an entry for this variant (Variation ID: 1006555). In summary, the available evidence is currently insufficient to determine the role of this variant in disease. Therefore, it has been classified as a Variant of Uncertain Significance. Advanced modeling of protein sequence and biophysical properties (such as structural, functional, and spatial information, amino acid conservation, physicochemical variation, residue mobility, and thermodynamic stability) has been performed at Invitae for this missense variant, however the output from this modeling did not meet the statistical confidence thresholds required to predict the impact of this variant on SMARCA4 protein function. This variant has not been reported in the literature in individuals affected with SMARCA4-related conditions. This variant is not present in population databases (gnomAD no frequency). This sequence change replaces leucine, which is neutral and non-polar, with phenylalanine, which is neutral and non-polar, at codon 628 of the SMARCA4 protein (p.Leu628Phe).